The following is an entry in ClinVar:

ClinVar aggregate classification (germline): Pathogenic (1 of 4 stars; one submission).

Submission:

GeneDx
Classification: Pathogenic. Last evaluated: 2023-07-28. Review status: criteria provided, single submitter. Criteria: GeneDx Variant Classification Process June 2021. Collection method: clinical testing. Allele origin: germline. Affected: yes.
Comment: Observed in a patient with presumed history of neurofibromatosis type 1 in published literature; however, no clinical information was provided and this patient also harbored a second variant in the NF1 gene (Kluwe et al., 2020); Frameshift variant predicted to result in protein truncation or nonsense mediated decay in a gene for which loss of function is a known mechanism of disease; Not observed at significant frequency in large population cohorts (gnomAD); This variant is associated with the following publications: (PMID: 33231931)

NM_001042492.3(NF1):c.6491del (p.Leu2164fs)

Gene: NF1 (neurofibromin 1; plus strand). Cytogenetic location: 17q11.2.
Variant type: Deletion.
Coding change: c.6491del on transcript NM_001042492.3 (MANE Select); coding-DNA position 6491, one base deleted (T; older notation c.6491delT).
Protein change: p.Leu2164fs; shifts the reading frame from leucine 2164.
Molecular consequence: frameshift variant.
Genome position (GRCh38, 1-based): chr17:31,337,431, T deleted. VCF-style (leftmost placement, unchanged base first): chr17-31337430-CT-C. GRCh37 (hg19) VCF-style: chr17-29664448-CT-C.
Other names: c.6428delT, p.Leu2143Argfs (NM_000267.4); short protein forms L2143fs, L2164fs.
Identifiers: ClinVar variation 3343860 (VCV003343860.1).